The following is an entry in ClinVar:

NM_005876.5(SPEG):c.4742T>C (p.Met1581Thr)

Gene: SPEG (striated muscle enriched protein kinase; plus strand). Cytogenetic location: 2q35.
Variant type: single nucleotide variant.
Coding change: c.4742T>C on transcript NM_005876.5 (MANE Select); coding-DNA position 4742, T replaced by C.
Protein change: p.Met1581Thr; replaces methionine 1581 with threonine.
Molecular consequence: missense variant.
Genome position (GRCh38, 1-based): chr2:219,477,701, T>C. VCF-style: chr2-219477701-T-C. GRCh37 (hg19) VCF-style: chr2-220342423-T-C.
Other names: c.4742T>C (NM_005876.4); short protein forms M1581T.
Identifiers: ClinVar variation 1381039 (VCV001381039.4), dbSNP rs527690811, ClinGen allele CA2126616.

ClinVar aggregate classification (germline): Uncertain significance. Review status: criteria provided, multiple submitters, no conflicts (2 of 4 stars). 2 submissions from 2 submitters: Uncertain significance (2). Last evaluated 2023-12-27.

Conditions:
Inborn genetic diseases. Identifiers: MedGen C0950123, MeSH D030342.

Allele frequency attached by ClinVar (database versions not stated): gnomAD exomes 0.00001 and 0.00003; ExAC 0.00004; gnomAD 0.00009; 1000 Genomes Project 30x 0.00016; TOPMed 0.00017; 1000 Genomes Project 0.00020.

Submissions (2):

Ambry Genetics
Classification: Uncertain significance for Inborn genetic diseases. Last evaluated: 2023-12-27. Review status: criteria provided, single submitter. Criteria: Ambry Variant Classification Scheme 2023. Collection method: clinical testing. Allele origin: germline.

Labcorp Genetics (formerly Invitae), Labcorp
Classification: Uncertain significance. Last evaluated: 2022-06-27. Review status: criteria provided, single submitter. Criteria: Invitae Variant Classification Sherloc (09022015). Collection method: clinical testing. Allele origin: germline.
Comment: This sequence change replaces methionine, which is neutral and non-polar, with threonine, which is neutral and polar, at codon 1581 of the SPEG protein (p.Met1581Thr). This variant is present in population databases (rs527690811, gnomAD 0.01%). This variant has not been reported in the literature in individuals affected with SPEG-related conditions. Algorithms developed to predict the effect of missense changes on protein structure and function are either unavailable or do not agree on the potential impact of this missense change (SIFT: "Deleterious"; PolyPhen-2: "Benign"; Align-GVGD: "Class C0"). In summary, the available evidence is currently insufficient to determine the role of this variant in disease. Therefore, it has been classified as a Variant of Uncertain Significance.